The following is an entry in ClinVar:

NM_007294.4(BRCA1):c.2456C>T (p.Ser819Phe)

Gene: BRCA1 (BRCA1 DNA repair associated; minus strand). Cytogenetic location: 17q21.31.
Variant type: single nucleotide variant.
Coding change: c.2456C>T on transcript NM_007294.4 (MANE Select); coding-DNA position 2456, C replaced by T.
Protein change: p.Ser819Phe; replaces serine 819 with phenylalanine.
Molecular consequence: missense variant. On other transcripts: intron variant (137).
Genome position (GRCh38, 1-based): chr17:43,093,075, G>A on the plus strand (C>T on the coding strand, the complement: BRCA1 is on the minus strand). VCF-style: chr17-43093075-G-A. GRCh37 (hg19) VCF-style: chr17-41245092-G-A.
Other names: c.787+1669C>T (NM_001407971.1, NM_001407981.1, NM_007298.4 and 17 more transcripts); c.790+1666C>T (NM_001408406.1); c.646+1669C>T (NM_001408456.1, NM_001408410.1, NM_001408458.1 and 11 more transcripts); c.643+1669C>T (NM_001408465.1, NM_001408463.1, NM_001408462.1 and 3 more transcripts); c.577+1669C>T (NM_001408482.1, NM_001408484.1, NM_001408478.1 and 9 more transcripts); c.520+1669C>T (NM_001408504.1, NM_001408503.1, NM_001408505.1); c.523+1669C>T (NM_001408499.1, NM_001408498.1, NM_001408501.1 and 3 more transcripts); c.671-2043C>T (NM_001408422.1, NM_001408418.1, NM_001408423.1 and 2 more transcripts); and 41 more; short protein forms S707F, S730F, S751F, S818F, S778F, S793F, S816F, S523F.
Identifiers: ClinVar variation 2131859 (VCV002131859.6), dbSNP rs192655097, ClinGen allele CA10597094.
Genomic context (GRCh38, chr17:43,093,075, plus strand): 5'-TGGTTAACTTCATGTCCCAATGGATACTTAAAGCCTTCTGTGTCATTTCTATTATCTTTG[G>A]AACAACCATGAATTAGTCCCTTGGGGTTTTCAAATGCTGCACACTGACTCACACATTTAT-3'
Protein context (NP_009225.1, residues 809-829): ENPKGLIHGC[Ser819Phe]KDNRNDTEGF

ClinVar aggregate classification (germline): Conflicting classifications of pathogenicity. Review status: criteria provided, conflicting classifications (1 of 4 stars). 2 submissions from 2 submitters: Uncertain significance (1); Likely benign (1). Last evaluated 2023-03-23.

Conditions:
Hereditary cancer-predisposing syndrome. Also called: Hereditary neoplastic syndrome; Hereditary Cancer Syndrome; Tumor predisposition; Neoplastic Syndromes, Hereditary. Identifiers: Orphanet 140162, MedGen C0027672, MeSH D009386, MONDO:0015356.
Hereditary breast ovarian cancer syndrome. Also called: Hereditary breast and ovarian cancer; Hereditary breast and/or ovarian cancer syndrome; Hereditary breast and ovarian cancer syndrome (HBOC); Breast and ovarian cancer; Hereditary breast and ovarian cancer syndrome; BRCA1- and BRCA2-Associated Hereditary Breast and Ovarian Cancer. Identifiers: Orphanet 145, MedGen C0677776, MeSH D061325, MONDO:0003582. Disease mechanism: loss of function.

gnomAD v4.1: 1 of 1,613,494 alleles (0.000062%); no homozygotes.

Submissions (2):

University of Washington Department of Laboratory Medicine, University of Washington
Classification: Likely benign for Hereditary cancer-predisposing syndrome. Last evaluated: 2023-03-23. Review status: criteria provided, single submitter. Criteria: Dines et al. (Genet Med. 2020). Collection method: curation. Allele origin: germline.
Comment: Missense variant in a coldspot region where missense variants are very unlikely to be pathogenic (PMID:31911673).

BRCA1 coldspot (exon 11 using historical exon numbering). Reclassification based on statistical prior probability

Labcorp Genetics (formerly Invitae), Labcorp
Classification: Uncertain significance for Hereditary breast ovarian cancer syndrome. Last evaluated: 2022-04-29. Review status: criteria provided, single submitter. Criteria: Invitae Variant Classification Sherloc (09022015). Collection method: clinical testing. Allele origin: germline.
Comment: This variant has not been reported in the literature in individuals affected with BRCA1-related conditions. Advanced modeling of protein sequence and biophysical properties (such as structural, functional, and spatial information, amino acid conservation, physicochemical variation, residue mobility, and thermodynamic stability) performed at Invitae indicates that this missense variant is not expected to disrupt BRCA1 protein function. In summary, the available evidence is currently insufficient to determine the role of this variant in disease. Therefore, it has been classified as a Variant of Uncertain Significance. This variant is not present in population databases (gnomAD no frequency). This sequence change replaces serine, which is neutral and polar, with phenylalanine, which is neutral and non-polar, at codon 819 of the BRCA1 protein (p.Ser819Phe).